The following is an entry in ClinVar:

NM_002691.4(POLD1):c.143A>C (p.His48Pro)

Gene: POLD1 (DNA polymerase delta 1, catalytic subunit; plus strand). Cytogenetic location: 19q13.33.
Variant type: single nucleotide variant.
Coding change: c.143A>C on transcript NM_002691.4 (MANE Select); coding-DNA position 143, A replaced by C.
Protein change: p.His48Pro; replaces histidine 48 with proline.
Molecular consequence: missense variant. On other transcripts: non-coding transcript variant (1).
Genome position (GRCh38, 1-based): chr19:50,398,994, A>C. VCF-style: chr19-50398994-A-C. GRCh37 (hg19) VCF-style: chr19-50902251-A-C.
Other names: c.143A>C, p.His48Pro (NM_001256849.1, NM_001308632.1); short protein forms H48P.
Identifiers: ClinVar variation 469200 (VCV000469200.8), dbSNP rs1555789124, ClinGen allele CA406970237.

ClinVar aggregate classification (germline): Uncertain significance (1 of 4 stars; one submission).

Conditions:
POLD1-related polyposis and colorectal cancer syndrome (CRCS10). Also called: Colorectal cancer 10; COLORECTAL CANCER, SUSCEPTIBILITY TO, ON CHROMOSOME 19q; Colorectal cancer, susceptibility to, 10. Identifiers: Orphanet 220460, MedGen C2675481, MONDO:0012953, OMIM 612591.

Submission:

Labcorp Genetics (formerly Invitae), Labcorp
Classification: Uncertain significance for POLD1-related polyposis and colorectal cancer syndrome. Last evaluated: 2017-06-07. Review status: criteria provided, single submitter. Criteria: Invitae Variant Classification Sherloc (09022015). Collection method: clinical testing. Allele origin: germline.
Comment: In summary, this variant has uncertain impact on POLD1 function. The available evidence is currently insufficient to determine its role in disease. Therefore, it has been classified as a Variant of Uncertain Significance. Algorithms developed to predict the effect of missense changes on protein structure and function (SIFT, PolyPhen-2, Align-GVGD) all suggest that this variant is likely to be tolerated, but these predictions have not been confirmed by published functional studies and their clinical significance is uncertain. This variant has not been reported in the literature in individuals with a POLD1-related disease. This variant is not present in population databases (ExAC no frequency). This sequence change replaces histidine with proline at codon 48 of the POLD1 protein (p.His48Pro). The histidine residue is weakly conserved and there is a moderate physicochemical difference between histidine and proline.